The following is an entry in ClinVar:

NM_000051.4(ATM):c.1658del (p.Gly553fs)

Gene: ATM (ATM serine/threonine kinase; plus strand). Cytogenetic location: 11q22.3.
Variant type: Deletion.
Coding change: c.1658del on transcript NM_000051.4 (MANE Select); coding-DNA position 1658, one base deleted (G; older notation c.1658delG).
Protein change: p.Gly553fs; shifts the reading frame from glycine 553.
Molecular consequence: frameshift variant.
Genome position (GRCh38, 1-based): chr11:108,251,887, G deleted; the last of 2 consecutive G bases (chr11:108,251,886-108,251,887); deleting either gives the same sequence. VCF-style (leftmost placement, unchanged base first): chr11-108251885-AG-A. GRCh37 (hg19) VCF-style: chr11-108122612-AG-A.
Other names: c.1658delG (NM_000051.3); c.1658del, p.Gly553fs (NM_001351834.2); short protein forms G553fs.
Identifiers: ClinVar variation 423656 (VCV000423656.8), dbSNP rs1064796556, ClinGen allele CA16619121.

ClinVar aggregate classification (germline): Pathogenic. Review status: criteria provided, multiple submitters, no conflicts (2 of 4 stars). 3 submissions from 3 submitters: Pathogenic (3). Last evaluated 2024-01-16.

Conditions:
Familial cancer of breast. Also called: hereditary breast carcinoma; Hereditary breast cancer; BREAST CANCER, FAMILIAL. Identifiers: Orphanet 227535, MedGen C0346153, MONDO:0016419, OMIM 114480. Disease mechanism: loss of function.
Ataxia-telangiectasia syndrome (AT). Also called: Ataxia-telangiectasia, complementation group D; Cerebello-oculocutaneous telangiectasia; Immunodeficiency with ataxia telangiectasia; ATAXIA-TELANGIECTASIA, COMPLEMENTATION GROUP A; ATAXIA-TELANGIECTASIA, FRESNO VARIANT; LOUIS-BAR SYNDROME. Identifiers: Orphanet 100, MedGen C0004135, MONDO:0008840, OMIM 208900.

Submissions (3):

Myriad Genetics, Inc.
Classification: Pathogenic for Familial cancer of breast. Last evaluated: 2024-01-16. Review status: criteria provided, single submitter. Criteria: Myriad Autosomal Dominant, Autosomal Recessive and X-Linked Classification Criteria (2023). Collection method: clinical testing. Allele origin: unknown.
Comment: This variant is considered pathogenic. This variant creates a frameshift predicted to result in premature protein truncation.

Labcorp Genetics (formerly Invitae), Labcorp
Classification: Pathogenic for Ataxia-telangiectasia syndrome. Last evaluated: 2023-03-09. Review status: criteria provided, single submitter. Criteria: Invitae Variant Classification Sherloc (09022015). Collection method: clinical testing. Allele origin: germline.
Comment: This sequence change creates a premature translational stop signal (p.Gly553Glufs*3) in the ATM gene. It is expected to result in an absent or disrupted protein product. Loss-of-function variants in ATM are known to be pathogenic (PMID: 23807571, 25614872). This variant is not present in population databases (gnomAD no frequency). This variant has not been reported in the literature in individuals affected with ATM-related conditions. ClinVar contains an entry for this variant (Variation ID: 423656). For these reasons, this variant has been classified as Pathogenic.

GeneDx
Classification: Pathogenic. Last evaluated: 2022-03-30. Review status: criteria provided, single submitter. Criteria: GeneDx Variant Classification Process June 2021. Collection method: clinical testing. Allele origin: germline. Affected: yes.
Comment: Frameshift variant predicted to result in protein truncation or nonsense mediated decay in a gene for which loss of function is a known mechanism of disease; Not observed at significant frequency in large population cohorts (gnomAD); Has not been previously published as pathogenic or benign to our knowledge

Literature cited by the submitters: PubMed 23807571 (cited by Labcorp Genetics (formerly Invitae), Labcorp); PubMed 25614872 (cited by Labcorp Genetics (formerly Invitae), Labcorp).